The following is an entry in ClinVar:

ClinVar aggregate classification (germline): Likely pathogenic (1 of 4 stars; one submission).

Conditions:
Maple syrup urine disease type 1A (MSUD1A). Also called: MSUD type 1A. Identifiers: MedGen C1855369, MONDO:0023691, OMIM 248600.

gnomAD v4.1: 2 of 1,608,764 alleles (0.00012%); highest among the groups gnomAD compares: African/African-American, 0.0013%; no homozygotes.

Submission:

Myriad Genetics, Inc.
Classification: Likely pathogenic for Maple syrup urine disease type 1A. Last evaluated: 2026-07-16. Review status: criteria provided, single submitter. Criteria: Myriad Autosomal Dominant, Autosomal Recessive and X-Linked Classification Criteria (2023). Collection method: clinical testing. Allele origin: unknown.
Comment: NM_000709.3(BCKDHA):c.1000G>A(G334R) is a missense variant classified as likely pathogenic in the context of maple syrup urine disease type Ia. G334R has been observed in cases with relevant disease (PMID: 37421976, 38863445). Relevant functional assessments of this variant are not available in the literature. Internal structural analysis of the variant is supportive of pathogenicity. G334R has not been observed in referenced population frequency databases. In summary, NM_000709.3(BCKDHA):c.1000G>A(G334R) is a missense variant that has internal structural support for pathogenicity and has been observed more frequently in cases with the relevant disease than in healthy populations. Please note: this variant was assessed in the context of healthy population screening.

Literature cited by the submitters: PubMed 37421976; PubMed 38863445.

NM_000709.4(BCKDHA):c.1000G>A (p.Gly334Arg)

Gene: BCKDHA (branched chain keto acid dehydrogenase E1 subunit alpha; plus strand). Cytogenetic location: 19q13.2.
Variant type: single nucleotide variant.
Coding change: c.1000G>A on transcript NM_000709.4 (MANE Select); coding-DNA position 1000, G replaced by A.
Protein change: p.Gly334Arg; replaces glycine 334 with arginine.
Molecular consequence: missense variant.
Genome position (GRCh38, 1-based): chr19:41,423,002, G>A. VCF-style: chr19-41423002-G-A. GRCh37 (hg19) VCF-style: chr19-41928907-G-A.
Other names: c.997G>A, p.Gly333Arg (NM_001164783.2); short protein forms G334R, G333R.
Identifiers: ClinVar variation 5003523 (VCV005003523.1).